The following is an entry in ClinVar:

ClinVar aggregate classification (germline): Uncertain significance (1 of 4 stars; one submission).

Conditions:
DiGeorge syndrome. Also called: Catch22; THIRD AND FOURTH PHARYNGEAL POUCH SYNDROME. Identifiers: Orphanet 567, MedGen C0012236, MONDO:0008564, OMIM 188400.

Submission:

Labcorp Genetics (formerly Invitae), Labcorp
Classification: Uncertain significance for DiGeorge syndrome. Last evaluated: 2025-09-06. Review status: criteria provided, single submitter. Criteria: Invitae Variant Classification Sherloc (09022015). Collection method: clinical testing. Allele origin: germline.
Comment: This sequence change replaces phenylalanine, which is neutral and non-polar, with valine, which is neutral and non-polar, at codon 162 of the TBX1 protein (p.Phe162Val). This variant is not present in population databases (gnomAD no frequency). This variant has not been reported in the literature in individuals affected with TBX1-related conditions. Invitae Evidence Modeling of protein sequence and biophysical properties (such as structural, functional, and spatial information, amino acid conservation, physicochemical variation, residue mobility, and thermodynamic stability) indicates that this missense variant is not expected to disrupt TBX1 protein function with a negative predictive value of 80%. In summary, the available evidence is currently insufficient to determine the role of this variant in disease. Therefore, it has been classified as a Variant of Uncertain Significance.

NM_001379200.1(TBX1):c.511T>G (p.Phe171Val)

Gene: TBX1 (T-box transcription factor 1; plus strand). Cytogenetic location: 22q11.21.
Variant type: single nucleotide variant.
Coding change: c.511T>G on transcript NM_001379200.1 (MANE Select); coding-DNA position 511, T replaced by G.
Protein change: p.Phe171Val; replaces phenylalanine 171 with valine.
Molecular consequence: missense variant.
Genome position (GRCh38, 1-based): chr22:19,763,314, T>G. VCF-style: chr22-19763314-T-G. GRCh37 (hg19) VCF-style: chr22-19750837-T-G.
Other names: c.484T>G, p.Phe162Val (NM_005992.1, NM_080646.2, NM_080647.1); short protein forms F171V, F162V.
Identifiers: ClinVar variation 4744359 (VCV004744359.1).